The following is an entry in ClinVar:

ClinVar aggregate classification (germline): Uncertain significance. Review status: criteria provided, multiple submitters, no conflicts (2 of 4 stars). 2 submissions from 2 submitters: Uncertain significance (2). Last evaluated 2024-06-10.

Conditions:
Fanconi anemia complementation group A (FANCA). Also called: FANCA-Related Fanconi Anemia; Fanconi anemia, group A. Identifiers: Orphanet 84, MedGen C3469521, MONDO:0009215, OMIM 227650.
Fanconi anemia (FA). Also called: Fanconi's anemia. Identifiers: Orphanet 84, MedGen C0015625, MeSH D005199, MONDO:0019391.

gnomAD v4.1: 7 of 1,614,180 alleles (0.00043%); highest among the groups gnomAD compares: Middle Eastern, 0.016%; no homozygotes.

Submissions (2):

Fulgent Genetics
Classification: Uncertain significance for Fanconi anemia complementation group A. Last evaluated: 2024-06-10. Review status: criteria provided, single submitter. Criteria: ACMG Guidelines, 2015. Collection method: clinical testing. Allele origin: germline.

Labcorp Genetics (formerly Invitae), Labcorp
Classification: Uncertain significance for Fanconi anemia. Last evaluated: 2023-10-22. Review status: criteria provided, single submitter. Criteria: Invitae Variant Classification Sherloc (09022015). Collection method: clinical testing. Allele origin: germline.
Comment: This sequence change replaces threonine, which is neutral and polar, with isoleucine, which is neutral and non-polar, at codon 1102 of the FANCA protein (p.Thr1102Ile). This variant is not present in population databases (gnomAD no frequency). This variant has not been reported in the literature in individuals affected with FANCA-related conditions. ClinVar contains an entry for this variant (Variation ID: 1406867). Advanced modeling of protein sequence and biophysical properties (such as structural, functional, and spatial information, amino acid conservation, physicochemical variation, residue mobility, and thermodynamic stability) performed at Invitae indicates that this missense variant is not expected to disrupt FANCA protein function. In summary, the available evidence is currently insufficient to determine the role of this variant in disease. Therefore, it has been classified as a Variant of Uncertain Significance.

NM_000135.4(FANCA):c.3305C>T (p.Thr1102Ile)

Gene: FANCA (FA complementation group A; minus strand). Cytogenetic location: 16q24.3.
Variant type: single nucleotide variant.
Coding change: c.3305C>T on transcript NM_000135.4 (MANE Select); coding-DNA position 3305, C replaced by T.
Protein change: p.Thr1102Ile; replaces threonine 1102 with isoleucine.
Molecular consequence: missense variant.
Genome position (GRCh38, 1-based): chr16:89,748,702, G>A on the plus strand (C>T on the coding strand, the complement: FANCA is on the minus strand). VCF-style: chr16-89748702-G-A. GRCh37 (hg19) VCF-style: chr16-89815110-G-A.
Other names: c.3305C>T, p.Thr1102Ile (NM_001286167.3); short protein forms T1102I.
Identifiers: ClinVar variation 1406867 (VCV001406867.7), dbSNP rs771117949, ClinGen allele CA397486275.